The following is an entry in ClinVar:

NM_005138.3(SCO2):c.358C>G (p.Arg120Gly)

Genes: NCAPH2 (non-SMC condensin II complex subunit H2; plus strand), SCO2 (synthesis of cytochrome C oxidase 2; minus strand). Cytogenetic location: 22q13.33.
Variant type: single nucleotide variant.
Coding change: c.358C>G on transcript NM_005138.3 (MANE Select); coding-DNA position 358, C replaced by G.
Protein change: p.Arg120Gly; replaces arginine 120 with glycine.
Molecular consequence: missense variant. On other transcripts: 3 prime UTR variant (2).
Genome position (GRCh38, 1-based): chr22:50,524,054, G>C on the plus strand (C>G on the coding strand, the complement: SCO2 is on the minus strand). VCF-style: chr22-50524054-G-C. GRCh37 (hg19) VCF-style: chr22-50962483-G-C.
Other names: c.*679G>C (NM_001185011.2, NM_152299.4); c.358C>G, p.Arg120Gly (NM_001169109.2, NM_001169110.1, NM_001169111.2); short protein forms R120G.
Identifiers: ClinVar variation 2056514 (VCV002056514.4), dbSNP rs375954523, ClinGen allele CA412192981.

ClinVar aggregate classification (germline): Uncertain significance (1 of 4 stars; one submission).

gnomAD v4.1: 1 of 1,613,390 alleles (0.000062%); highest among the groups gnomAD compares: Admixed American, 0.0017%; no homozygotes.

Submission:

Labcorp Genetics (formerly Invitae), Labcorp
Classification: Uncertain significance. Last evaluated: 2021-12-24. Review status: criteria provided, single submitter. Criteria: Invitae Variant Classification Sherloc (09022015). Collection method: clinical testing. Allele origin: germline.
Comment: This sequence change replaces arginine, which is basic and polar, with glycine, which is neutral and non-polar, at codon 120 of the SCO2 protein (p.Arg120Gly). This variant is not present in population databases (gnomAD no frequency). This variant has not been reported in the literature in individuals affected with SCO2-related conditions. Algorithms developed to predict the effect of missense changes on protein structure and function are either unavailable or do not agree on the potential impact of this missense change (SIFT: "Tolerated"; PolyPhen-2: "Possibly Damaging"; Align-GVGD: "Class C15"). In summary, the available evidence is currently insufficient to determine the role of this variant in disease. Therefore, it has been classified as a Variant of Uncertain Significance.